The following is an entry in ClinVar:

NM_000256.3(MYBPC3):c.2738-2A>G

Gene: MYBPC3 (myosin binding protein C3; minus strand). Cytogenetic location: 11p11.2.
Variant type: single nucleotide variant.
Coding change: c.2738-2A>G on transcript NM_000256.3 (MANE Select); the canonical splice acceptor site of the intron before coding-DNA position 2738, A replaced by G.
Molecular consequence: splice acceptor variant.
Genome position (GRCh38, 1-based): chr11:47,335,211, T>C on the plus strand (A>G on the coding strand, the complement: MYBPC3 is on the minus strand). VCF-style: chr11-47335211-T-C. GRCh37 (hg19) VCF-style: chr11-47356762-T-C.
Identifiers: ClinVar variation 2060811 (VCV002060811.9), dbSNP rs1595842632, ClinGen allele CA380316889.

ClinVar aggregate classification (germline): Pathogenic/Likely pathogenic. Review status: criteria provided, multiple submitters, no conflicts (2 of 4 stars). 4 submissions from 4 submitters: Pathogenic (1); Likely pathogenic (3). Last evaluated 2023-05-08.

Conditions:
Hypertrophic cardiomyopathy. Also called: HYPERTROPHIC MYOCARDIOPATHY. Identifiers: Orphanet 217569, MedGen C0007194, MeSH D002312, MONDO:0005045, HP:0001639.
Cardiovascular phenotype. Identifiers: MedGen CN230736.
Hypertrophic cardiomyopathy 4. Also called: Familial hypertrophic cardiomyopathy 4. Identifiers: MedGen C1861862, MONDO:0007268, OMIM 115197.

Allele frequency attached by ClinVar (database versions not stated): gnomAD exomes below 0.00001.
gnomAD v4.1: 1 of 1,581,094 alleles (0.000063%); highest among the groups gnomAD compares: Non-Finnish European, 0.000086%; no homozygotes.

Submissions (4):

Ambry Genetics
Classification: Likely pathogenic for Cardiovascular phenotype. Last evaluated: 2023-05-08. Review status: criteria provided, single submitter. Criteria: Ambry Variant Classification Scheme 2023. Collection method: clinical testing. Allele origin: germline.
Comment: The c.2738-2A>G intronic variant results from an A to G substitution two nucleotides before coding exon 27 in the MYBPC3 gene. This variant has been detected in individuals from hypertrophic cardiomyopathy (HCM) cohorts (Bos JM et al. Mayo Clin Proc, 2014 Jun;89:727-37; Walsh R et al. Genet Med, 2017 Feb;19:192-203). This variant is considered to be rare based on population cohorts in the Genome Aggregation Database (gnomAD). This nucleotide position is highly conserved in available vertebrate species. In silico splice site analysis predicts that this alteration will weaken the native splice acceptor site. In addition to the clinical data presented in the literature, alterations that disrupt the canonical splice site are expected to cause aberrant splicing, resulting in an abnormal protein or a transcript that is subject to nonsense-mediated mRNA decay. As such, this alteration is classified as likely pathogenic.

Labcorp Genetics (formerly Invitae), Labcorp
Classification: Pathogenic for Hypertrophic cardiomyopathy. Last evaluated: 2023-01-14. Review status: criteria provided, single submitter. Criteria: Invitae Variant Classification Sherloc (09022015). Collection method: clinical testing. Allele origin: germline.
Comment: For these reasons, this variant has been classified as Pathogenic. Algorithms developed to predict the effect of sequence changes on RNA splicing suggest that this variant may disrupt the consensus splice site. Disruption of this splice site has been observed in individuals with hypertrophic cardiomyopathy (PMID: 23283745, 24793961, 27532257, 28615295). This variant is not present in population databases (gnomAD no frequency). This sequence change affects an acceptor splice site in intron 26 of the MYBPC3 gene. It is expected to disrupt RNA splicing. Variants that disrupt the donor or acceptor splice site typically lead to a loss of protein function (PMID: 16199547), and loss-of-function variants in MYBPC3 are known to be pathogenic (PMID: 19574547).

Molecular Diagnostic Laboratory for Inherited Cardiovascular Disease, Montreal Heart Institute
Classification: Likely pathogenic for Cardiovascular phenotype. Last evaluated: 2022-09-16. Review status: criteria provided, single submitter. Criteria: ACMG Guidelines, 2015. Collection method: clinical testing. Allele origin: germline. Affected: yes.

Juno Genomics, Hangzhou Juno Genomics, Inc
Classification: Likely pathogenic for Hypertrophic cardiomyopathy 4. Review status: criteria provided, single submitter. Criteria: ACMG Guidelines, 2015. Collection method: clinical testing. Allele origin: germline. Affected: yes.
Comment: Absent from controls (or at extremely low frequency if recessive) in Genome Aggregation Database, Exome Sequencing Project, 1000 Genomes Project, or Exome Aggregation Consortium.;Null variant in a gene where loss of function (LOF) is a known mechanism of disease.;The prevalence of the variant in affected individuals is significantly increased compared to the prevalence in controls.;Patient's phenotype or family history is highly specific for a disease with a single genetic etiology.

Literature cited by the submitters: PubMed 24793961 (cited by Ambry Genetics and Labcorp Genetics (formerly Invitae), Labcorp); PubMed 27532257 (cited by Ambry Genetics and Labcorp Genetics (formerly Invitae), Labcorp); PubMed 34542152 (cited by Ambry Genetics); PubMed 23283745 (cited by Labcorp Genetics (formerly Invitae), Labcorp); PubMed 28615295 (cited by Labcorp Genetics (formerly Invitae), Labcorp); PubMed 16199547 (cited by Labcorp Genetics (formerly Invitae), Labcorp); PubMed 19574547 (cited by Labcorp Genetics (formerly Invitae), Labcorp).